The following is an entry in ClinVar:

NM_000518.5(HBB):c.316-42del

Genes: HBB (hemoglobin subunit beta; minus strand), LOC107133510 (origin of replication at HBB; plus strand), LOC110006319 (beta-globin gene 3' regulatory region; plus strand). Cytogenetic location: 11p15.4.
Variant type: Deletion.
Coding change: c.316-42del on transcript NM_000518.5 (MANE Select); 42 bases into the intron before coding-DNA position 316, one base deleted (C; older notation c.316-42delC).
Molecular consequence: intron variant.
Genome position (GRCh38, 1-based): chr11:5,225,768, G deleted on the plus strand (C on the coding strand, the reverse complement: HBB is on the minus strand); the first of 3 consecutive G bases (chr11:5,225,768-5,225,770); deleting any one gives the same sequence. VCF-style (leftmost placement, unchanged base first): chr11-5225767-AG-A. GRCh37 (hg19) VCF-style: chr11-5246997-AG-A.
Other names: c.316-42delC (NM_000518.5).
Identifiers: ClinVar variation 1091467 (VCV001091467.10), dbSNP rs746631999, ClinGen allele CA5839722.
Genomic context (GRCh38, chr11:5,225,767, plus strand): 5'-ACCAGCACGTTGCCCAGGAGCTGTGGGAGGAAGATAAGAGGTATGAACATGATTAGCAAA[AG>A]GGCCTAGCTTGGACTCAGAATAATCCAGCCTTATCCCAACCATAAAATAAAAGCAGAATG-3'

ClinVar aggregate classification (germline): Likely benign. Review status: criteria provided, multiple submitters, no conflicts (2 of 4 stars). 2 submissions from 2 submitters: Likely benign (2). Last evaluated 2026-01-09.

Submissions (2):

Labcorp Genetics (formerly Invitae), Labcorp
Classification: Likely benign. Last evaluated: 2026-01-09. Review status: criteria provided, single submitter. Criteria: Invitae Variant Classification Sherloc (09022015). Collection method: clinical testing. Allele origin: germline.

Women's Health and Genetics/Laboratory Corporation of America, LabCorp
Classification: Likely benign. Last evaluated: 2024-12-20. Review status: criteria provided, single submitter. Criteria: LabCorp Variant Classification Summary - May 2015. Collection method: clinical testing. Allele origin: germline.
Comment: Variant summary: HBB c.316-42delC is located at a position not widely known to affect splicing. Consensus agreement among computation tools predict no significant impact on normal splicing. However, these predictions have yet to be confirmed by functional studies. The variant allele was found at a frequency of 2e-05 in 250284 control chromosomes. The available data on variant occurrences in the general population are insufficient to allow any conclusion about variant significance. c.316-42delC has been reported in the literature in a healthy individual in trans with a pathogenic HBB variant (c.316-106C>G; fully concordant pathogenic classifications in ClinVar and scored as pathogenic in internal database); the individual with the variant of interest was comprehensively phenotyped and found to have "normal hematological and electrophoretic features" (Vinciguerra_2017). These report(s) do not provide unequivocal conclusions about association of the variant with Hemoglobinopathy. To our knowledge, no experimental evidence demonstrating an impact on protein function has been reported. The following publication have been ascertained in the context of this evaluation (PMID: 29171316). ClinVar contains an entry for this variant (Variation ID: 1091467). Based on the evidence outlined above, the variant was classified as likely benign.

Literature cited by the submitters: PubMed 29171316 (cited by Women's Health and Genetics/Laboratory Corporation of America, LabCorp).